The following is an entry in ClinVar:

ClinVar aggregate classification (germline): Likely benign (0 of 4 stars; one submission).

Conditions:
ZFHX4-related disorder. Also called: ZFHX4-related condition.

Allele frequency attached by ClinVar (database versions not stated): ExAC 0.00011; gnomAD 0.00896.
gnomAD v4.1: 2,499 of 432,920 alleles (0.58%); highest among the groups gnomAD compares: South Asian, 0.7%; no homozygotes.

Submission:

PreventionGenetics, part of Exact Sciences
Classification: Likely benign for ZFHX4-related condition. Last evaluated: 2019-05-24. Review status: no assertion criteria provided. Collection method: clinical testing. Allele origin: germline.
Comment: This variant is classified as likely benign based on ACMG/AMP sequence variant interpretation guidelines (Richards et al. 2015 PMID: 25741868, with internal and published modifications).

NM_024721.5(ZFHX4):c.6141A>C (p.Pro2047=)

Gene: ZFHX4 (zinc finger homeobox 4; plus strand). Cytogenetic location: 8q21.13.
Variant type: single nucleotide variant.
Coding change: c.6141A>C on transcript NM_024721.5 (MANE Select); coding-DNA position 6141, A replaced by C.
Protein change: p.Pro2047=; no amino-acid change (proline 2047 retained).
Molecular consequence: synonymous variant.
Genome position (GRCh38, 1-based): chr8:76,853,062, A>C. VCF-style: chr8-76853062-A-C. GRCh37 (hg19) VCF-style: chr8-77765298-A-C.
Other names: c.6063A>C, p.Pro2021= (NM_001410934.1).
Identifiers: ClinVar variation 3038466 (VCV003038466.2), dbSNP rs867093271, ClinGen allele CA4787781.